The following is an entry in ClinVar:

NM_021815.5(SLC5A7):c.238T>C (p.Tyr80His)

Gene: SLC5A7 (solute carrier family 5 member 7; plus strand). Cytogenetic location: 2q12.3.
Variant type: single nucleotide variant.
Coding change: c.238T>C on transcript NM_021815.5 (MANE Select); coding-DNA position 238, T replaced by C.
Protein change: p.Tyr80His; replaces tyrosine 80 with histidine.
Molecular consequence: missense variant. On other transcripts: 5 prime UTR variant (2).
Genome position (GRCh38, 1-based): chr2:107,992,165, T>C. VCF-style: chr2-107992165-T-C. GRCh37 (hg19) VCF-style: chr2-108608621-T-C.
Other names: c.238T>C, p.Tyr80His (NM_001305005.3); c.-78T>C (NM_001305006.3); c.-467T>C (NM_001305007.3); short protein forms Y80H.
Identifiers: ClinVar variation 660446 (VCV000660446.6), dbSNP rs748862220, ClinGen allele CA1818911.

ClinVar aggregate classification (germline): Uncertain significance (1 of 4 stars; one submission).

Conditions:
Congenital myasthenic syndrome 20. Also called: Myasthenic syndrome, congenital, 20, presynaptic. Identifiers: MedGen C4310694, MONDO:0014939, OMIM 617143.
Neuronopathy, distal hereditary motor, type 7A. Also called: Neuronopathy, distal hereditary motor, type viia; NEURONOPATHY, DISTAL HEREDITARY MOTOR, HARDING TYPE VIIA; NEUROPATHY, DISTAL HEREDITARY MOTOR, HARDING TYPE VIIA; Neuronopathy, distal hereditary motor, autosomal dominant 7; HARPER-YOUNG MYOPATHY; HMN VIIA. Identifiers: Orphanet 139589, MedGen C1834703, MONDO:0008024, OMIM 158580.

Allele frequency attached by ClinVar (database versions not stated): gnomAD 0.00001; ExAC 0.00002; gnomAD exomes 0.00002; TOPMed 0.00003.

Submission:

Labcorp Genetics (formerly Invitae), Labcorp
Classification: Uncertain significance for Neuronopathy, distal hereditary motor, type 7A; Congenital myasthenic syndrome 20. Last evaluated: 2023-04-15. Review status: criteria provided, single submitter. Criteria: Invitae Variant Classification Sherloc (09022015). Collection method: clinical testing. Allele origin: germline.
Comment: In summary, the available evidence is currently insufficient to determine the role of this variant in disease. Therefore, it has been classified as a Variant of Uncertain Significance. Algorithms developed to predict the effect of missense changes on protein structure and function output the following: SIFT: "Not Available"; PolyPhen-2: "Benign"; Align-GVGD: "Not Available". The histidine amino acid residue is found in multiple mammalian species, which suggests that this missense change does not adversely affect protein function. ClinVar contains an entry for this variant (Variation ID: 660446). This variant has not been reported in the literature in individuals affected with SLC5A7-related conditions. This variant is present in population databases (rs748862220, gnomAD 0.003%). This sequence change replaces tyrosine, which is neutral and polar, with histidine, which is basic and polar, at codon 80 of the SLC5A7 protein (p.Tyr80His).